The following is an entry in ClinVar:

NM_016111.4(TELO2):c.1770+3G>T

Gene: TELO2 (telomere maintenance 2; plus strand). Cytogenetic location: 16p13.3.
Variant type: single nucleotide variant.
Coding change: c.1770+3G>T on transcript NM_016111.4 (MANE Select); 3 bases into the intron after coding-DNA position 1770, G replaced by T.
Molecular consequence: intron variant.
Genome position (GRCh38, 1-based): chr16:1,502,764, G>T. VCF-style: chr16-1502764-G-T. GRCh37 (hg19) VCF-style: chr16-1552765-G-T.
Other names: c.1770+3G>T (NM_001351846.2).
Identifiers: ClinVar variation 452016 (VCV000452016.2), dbSNP rs1555471460, ClinGen allele CA658658335.
Genomic context (GRCh38, chr16:1,502,764, plus strand): 5'-ATTTGCAGGGCTGCGCCAGAGAGCCCTGGTGGCCGTCACGGTCACAGACCCGGCCCCGGT[G>T]AGTTCCCGCACCCGTGGCCCTGGCCAGTGCAGGCACAGCGGGAAGCACTGGGAGCTGCGG-3'

ClinVar aggregate classification (germline): Uncertain significance (1 of 4 stars; one submission).

Submission:

GeneDx
Classification: Uncertain significance. Last evaluated: 2017-09-20. Review status: criteria provided, single submitter. Criteria: GeneDx Variant Classification (06012015). Collection method: clinical testing. Allele origin: germline. Affected: yes.
Comment: The c.1770+3G>T variant in the TELO2 gene has not been reported previously as a pathogenic variant nor as a benign variant, to our knowledge. This variant reduces the quality of the splice donor site in intron 14, and may cause abnormal gene splicing. The c.1770+3G>T variant is not observed in large population cohorts (Lek et al., 2016; 1000 Genomes Consortium et al., 2015; Exome Variant Server). We interpret c.1770+3G>T as a variant of uncertain significance.